The following is an entry in ClinVar:

NM_024589.3(ROGDI):c.255+4A>T

Gene: ROGDI (rogdi atypical leucine zipper; minus strand). Cytogenetic location: 16p13.3.
Variant type: single nucleotide variant.
Coding change: c.255+4A>T on transcript NM_024589.3 (MANE Select); 4 bases into the intron after coding-DNA position 255, A replaced by T.
Molecular consequence: intron variant.
Genome position (GRCh38, 1-based): chr16:4,801,263, T>A on the plus strand (A>T on the coding strand, the complement: ROGDI is on the minus strand). VCF-style: chr16-4801263-T-A. GRCh37 (hg19) VCF-style: chr16-4851264-T-A.
Identifiers: ClinVar variation 5005590 (VCV005005590.2).

ClinVar aggregate classification (germline): Uncertain significance (1 of 4 stars; one submission).

Conditions:
Amelocerebrohypohidrotic syndrome (KTZS). Also called: Kohlschutter's syndrome; EPILEPSY AND YELLOW TEETH; EPILEPSY, DEMENTIA, AND AMELOGENESIS IMPERFECTA; KOHLSCHUTTER SYNDROME. Identifiers: Orphanet 1946, MedGen C0406740, MONDO:0009185, OMIM 226750.

Submission:

Juno Genomics, Hangzhou Juno Genomics, Inc
Classification: Uncertain significance for Amelocerebrohypohidrotic syndrome. Review status: criteria provided, single submitter. Criteria: ACMG Guidelines, 2015. Collection method: clinical testing. Allele origin: germline.
Comment: Absent from controls (or at extremely low frequency if recessive) in Genome Aggregation Database.;Multiple lines of computational evidence support a deleterious effect on the gene or gene product.